The following is an entry in ClinVar:

NM_001267550.2(TTN):c.65776G>A (p.Val21926Met)

Genes: TTN (titin; minus strand), TTN-AS1 (TTN antisense RNA 1; plus strand). Cytogenetic location: 2q31.2.
Variant type: single nucleotide variant.
Coding change: c.65776G>A on transcript NM_001267550.2 (MANE Select); coding-DNA position 65776, G replaced by A.
Protein change: p.Val21926Met; replaces valine 21926 with methionine.
Molecular consequence: missense variant. On other transcripts: non-coding transcript variant (1).
Genome position (GRCh38, 1-based): chr2:178,583,027, C>T on the plus strand (G>A on the coding strand, the complement: TTN is on the minus strand). VCF-style: chr2-178583027-C-T. GRCh37 (hg19) VCF-style: chr2-179447754-C-T.
Other names: p.V20285M:GTG>ATG; c.38581G>A, p.Val12861Met (NM_003319.4); c.38956G>A, p.Val12986Met (NM_133432.3); c.39157G>A, p.Val13053Met (NM_133437.4); c.60853G>A, p.Val20285Met (NM_001256850.1); c.58072G>A, p.Val19358Met (NM_133378.4); short protein forms V20285M, V21926M, V19358M, V12986M, V13053M, V12861M.
Identifiers: ClinVar variation 202796 (VCV000202796.38), dbSNP rs145527033, ClinGen allele CA310316.

ClinVar aggregate classification (germline): Benign/Likely benign. Review status: criteria provided, multiple submitters, no conflicts (2 of 4 stars). 13 submissions from 13 submitters: Benign (2); Likely benign (7). 4 of the submissions do not count toward it. Last evaluated 2026-03-27.

Conditions:
TTN-related disorder. Also called: TTN-related condition; TTN-related disease; TTN-related disorders.
Cardiovascular phenotype. Identifiers: MedGen CN230736.
Autosomal recessive limb-girdle muscular dystrophy type 2J (LGMDR10). Also called: Limb-girdle muscular dystrophy, type 2J; MUSCULAR DYSTROPHY, LIMB-GIRDLE, AUTOSOMAL RECESSIVE 10. Identifiers: Orphanet 140922, MedGen C1837342, MONDO:0012127, OMIM 608807.
Dilated cardiomyopathy 1G (CMD1G). Identifiers: Orphanet 154, MedGen C1858763, MONDO:0011400, OMIM 604145.
Cardiomyopathy (CMYO). Also called: Cardiomyopathies. Identifiers: Orphanet 167848, MedGen C0878544, MONDO:0004994, HP:0001638. Inheritance: Various modes of inheritance.

Allele frequency attached by ClinVar (database versions not stated): gnomAD 0.00081 and 0.00093; TOPMed 0.00093; gnomAD exomes 0.00011 and 0.00031; ExAC 0.00034; 1000 Genomes Project 30x 0.00094; ESP Exome Variant Server 0.00114; 1000 Genomes Project 0.00080.
gnomAD v4.1: 292 of 1,609,610 alleles (0.018%); highest among the groups gnomAD compares: African/African-American, 0.24%; no homozygotes.

Submissions (13):

Molecular Diagnostic Laboratory for Inherited Cardiovascular Disease, Montreal Heart Institute
Classification: Likely benign. Last evaluated: 2026-03-27. Review status: criteria provided, single submitter. Criteria: ACMG Guidelines, 2015. Collection method: clinical testing. Allele origin: germline. Affected: no.
Comment: BS1;BP1

Labcorp Genetics (formerly Invitae), Labcorp
Classification: Likely benign for Dilated cardiomyopathy 1G; Autosomal recessive limb-girdle muscular dystrophy type 2J. Last evaluated: 2026-01-31. Review status: criteria provided, single submitter. Criteria: Invitae Variant Classification Sherloc (09022015). Collection method: clinical testing. Allele origin: germline.

CHEO Genetics Diagnostic Laboratory, Children's Hospital of Eastern Ontario
Classification: Benign for Cardiomyopathy. Last evaluated: 2023-01-20. Review status: criteria provided, single submitter. Criteria: ACMG Guidelines, 2015. Collection method: clinical testing. Allele origin: germline.

Women's Health and Genetics/Laboratory Corporation of America, LabCorp
Classification: Benign. Last evaluated: 2022-08-22. Review status: criteria provided, single submitter. Criteria: LabCorp Variant Classification Summary - May 2015. Collection method: clinical testing. Allele origin: germline.
Comment: Variant summary: TTN c.58072G>A (p.Val19358Met) results in a conservative amino acid change located in the A-band of the encoded protein sequence. Three of four in-silico tools predict a damaging effect of the variant on protein function. The variant allele was found at a frequency of 0.00031 in 245946 control chromosomes, predominantly at a frequency of 0.0029 within the African or African-American subpopulation in the gnomAD database. The observed variant frequency within African or African-American control individuals in the gnomAD database is approximately 7 fold of the estimated maximal expected allele frequency for a pathogenic variant in TTN causing Dilated Cardiomyopathy phenotype (0.00039), strongly suggesting that the variant is a benign polymorphism found primarily in populations of African or African-American origin. To our knowledge, no occurrence of c.58072G>A in individuals affected with Dilated Cardiomyopathy and no experimental evidence demonstrating its impact on protein function have been reported. Four clinical diagnostic laboratories have submitted clinical-significance assessments for this variant to ClinVar after 2014 without evidence for independent evaluation. All laboratories classified the variant as likely benign. Based on the evidence outlined above, the variant was classified as benign.

ARUP Laboratories, Molecular Genetics and Genomics, ARUP Laboratories
Classification: Likely benign. Last evaluated: 2020-08-11. Review status: criteria provided, single submitter. Criteria: ARUP Molecular Germline Variant Investigation Process. Collection method: clinical testing. Allele origin: germline.

GeneDx
Classification: Likely benign. Last evaluated: 2019-01-16. Review status: criteria provided, single submitter. Criteria: GeneDx Variant Classification Process June 2021. Collection method: clinical testing. Allele origin: germline. Affected: yes.

Ambry Genetics
Classification: Likely benign for Cardiovascular phenotype. Last evaluated: 2018-05-26. Review status: criteria provided, single submitter. Criteria: Ambry Variant Classification Scheme 2023. Collection method: clinical testing. Allele origin: germline.

Eurofins Ntd Llc (ga)
Classification: Likely benign. Last evaluated: 2015-06-11. Review status: criteria provided, single submitter. Criteria: EGL Classification Definitions 2015. Collection method: clinical testing. Allele origin: germline. Observed: 1 variant allele, 1 heterozygote.

Laboratory for Molecular Medicine, Mass General Brigham Personalized Medicine
Classification: Likely benign. Last evaluated: 2012-03-19. Review status: criteria provided, single submitter. Criteria: LMM Criteria. Collection method: clinical testing. Allele origin: germline. Observed: 1 variant allele.
Comment: p.Val19358Met in Exon 262 of TTN: This variant is not expected to have clinical significance because it has been identified in 0.3% (11/3270) of African America n chromosomes from a broad population by the NHLBI Exome Sequencing Project (dbSNP rs145527033).

PreventionGenetics, part of Exact Sciences
Classification: Likely benign for TTN-related condition. Last evaluated: 2021-03-02. Review status: no assertion criteria provided. Collection method: clinical testing. Allele origin: germline. Not counted in ClinVar's aggregate classification.
Comment: This variant is classified as likely benign based on ACMG/AMP sequence variant interpretation guidelines (Richards et al. 2015 PMID: 25741868, with internal and published modifications).

Clinical Genetics DNA and cytogenetics Diagnostics Lab, Erasmus MC, Erasmus Medical Center
Classification: Likely benign. Review status: no assertion criteria provided. Collection method: clinical testing. Allele origin: germline. Affected: yes. Study: VKGL Data-share Consensus. Not counted in ClinVar's aggregate classification.

Clinical Genetics, Academic Medical Center
Classification: Benign. Review status: no assertion criteria provided. Collection method: clinical testing. Allele origin: germline. Affected: yes. Study: VKGL Data-share Consensus. Not counted in ClinVar's aggregate classification.

Joint Genome Diagnostic Labs from Nijmegen and Maastricht, Radboudumc and MUMC+
Classification: Likely benign. Review status: no assertion criteria provided. Collection method: clinical testing. Allele origin: germline. Affected: yes. Study: VKGL Data-share Consensus. Not counted in ClinVar's aggregate classification.